The following is an entry in ClinVar:

ClinVar aggregate classification (germline): Uncertain significance (1 of 4 stars; one submission).

Conditions:
Hypertrophic cardiomyopathy 12. Identifiers: MedGen C2677491, MONDO:0012804, OMIM 612124.
Dilated cardiomyopathy 1M (CMD1M). Identifiers: Orphanet 154, MedGen C1843808, MONDO:0011840, OMIM 607482.

Submission:

Labcorp Genetics (formerly Invitae), Labcorp
Classification: Uncertain significance for Hypertrophic cardiomyopathy 12; Dilated cardiomyopathy 1M. Last evaluated: 2017-01-23. Review status: criteria provided, single submitter. Criteria: Invitae Variant Classification Sherloc (09022015). Collection method: clinical testing. Allele origin: germline.
Comment: This sequence change replaces leucine with arginine at codon 154 of the CSRP3 protein (p.Leu154Arg). The leucine residue is highly conserved and there is a moderate physicochemical difference between leucine and arginine. This variant is not present in population databases (ExAC no frequency) and has not been reported in the literature in individuals with a CSRP3-related disease. Algorithms developed to predict the effect of missense changes on protein structure and function (SIFT, PolyPhen-2, Align-GVGD) all suggest that this variant is likely to be disruptive, but these predictions have not been confirmed by published functional studies. In summary, this variant is a novel missense change with uncertain impact on protein function. It has been classified as a Variant of Uncertain Significance.

NM_003476.5(CSRP3):c.461T>G (p.Leu154Arg)

Gene: CSRP3 (cysteine and glycine rich protein 3; minus strand). Cytogenetic location: 11p15.1.
Variant type: single nucleotide variant.
Coding change: c.461T>G on transcript NM_003476.5 (MANE Select); coding-DNA position 461, T replaced by G.
Protein change: p.Leu154Arg; replaces leucine 154 with arginine.
Molecular consequence: missense variant.
Genome position (GRCh38, 1-based): chr11:19,184,999, A>C on the plus strand (T>G on the coding strand, the complement: CSRP3 is on the minus strand). VCF-style: chr11-19184999-A-C. GRCh37 (hg19) VCF-style: chr11-19206546-A-C.
Other names: c.292T>G, p.Trp98Gly (NM_001369404.1); short protein forms L154R, W98G.
Identifiers: ClinVar variation 476575 (VCV000476575.8), dbSNP rs1554967431, ClinGen allele CA379887706.
Genomic context (GRCh38, chr11:19,184,999, plus strand): 5'-CAGAATCACTCACCTTTGCAATAAAGTTCCCCATCTTTGTCAGTGACATTTGTGGACTCC[A>C]GACTCTTCCCACAGATGGCACAGCGGAAACAGGTCTTGTGCCAAGGCTGAGGGGCACAGA-3'
Protein context (NP_003467.1, residues 144-164): CFRCAICGKS[Leu154Arg]ESTNVTDKDG